The following is an entry in ClinVar:

ClinVar aggregate classification (germline): Pathogenic/Likely pathogenic. Review status: criteria provided, multiple submitters, no conflicts (2 of 4 stars). 3 submissions from 3 submitters: Pathogenic (1); Likely pathogenic (1). 1 of the submissions does not count toward it. Last evaluated 2019-03-04.

Conditions:
Isolated thoracic aortic aneurysm.
Marfan syndrome (MFS). Also called: MARFAN SYNDROME, TYPE I; FBN1-Related Marfan Syndrome; Marfan syndrome type 1; Marfan's syndrome; Marfan syndrome, classic. Identifiers: Orphanet 284963, Orphanet 558, MedGen C0024796, MONDO:0007947, OMIM 154700.
Familial thoracic aortic aneurysm and aortic dissection (TAAD). Also called: Thoracic aortic aneurysms and dissections. Identifiers: Orphanet 91387, MedGen C4707243, MONDO:0019625.

Submissions (3):

Labcorp Genetics (formerly Invitae), Labcorp
Classification: Pathogenic for Marfan syndrome; Familial thoracic aortic aneurysm and aortic dissection. Last evaluated: 2019-03-04. Review status: criteria provided, single submitter. Criteria: Invitae Variant Classification Sherloc (09022015). Collection method: clinical testing. Allele origin: germline.
Comment: This variant disrupts the p.Cys750 amino acid residue in FBN1. Other variant(s) that disrupt this residue have been observed in individuals with FBN1-related conditions (PMID: 27906200, 19293843, 8004112), suggesting that it is a clinically significant residue. As a result, variants that disrupt this residue are likely to be causative of disease. For these reasons, this variant has been classified as Pathogenic. This variant affects a cysteine residue in the EGF-like, TGFBP or hybrid motif domains of FBN1. Cysteine residues are believed to be involved in intramolecular disulfide bridges and have been shown to be important for FBN1 protein structure (PMID: 16905551, 19349279). In addition, missense substitutions affecting cysteine residues within these domains are significantly overrepresented among patients with Marfan syndrome (PMID: 16571647, 17701892). This variant has been observed in an individual affected with Marfan syndrome (PMID: 27906200). ClinVar contains an entry for this variant (Variation ID: 492826). This variant is not present in population databases (ExAC no frequency). This sequence change replaces cysteine with arginine at codon 750 of the FBN1 protein (p.Cys750Arg). The cysteine residue is highly conserved and there is a large physicochemical difference between cysteine and arginine.

Department of Vascular Biology, Beijing Anzhen Hospital
Classification: Likely pathogenic for Isolated thoracic aortic aneurysm. Last evaluated: 2018-09-01. Review status: criteria provided, single submitter. Criteria: ACMG Guidelines, 2015. Collection method: research. Allele origin: germline. Affected: yes.

Clinical Molecular Genetics Laboratory, Johns Hopkins All Children's Hospital
Classification: Likely pathogenic for Marfan syndrome. Last evaluated: 2014-07-02. Review status: no assertion criteria provided. Collection method: clinical testing. Allele origin: germline. Affected: yes. Not counted in ClinVar's aggregate classification.

Literature cited by the submitters: PubMed 27906200 (cited by Labcorp Genetics (formerly Invitae), Labcorp); PubMed 19293843 (cited by Labcorp Genetics (formerly Invitae), Labcorp); PubMed 8004112 (cited by Labcorp Genetics (formerly Invitae), Labcorp); PubMed 16905551 (cited by Labcorp Genetics (formerly Invitae), Labcorp); PubMed 19349279 (cited by Labcorp Genetics (formerly Invitae), Labcorp); PubMed 16571647 (cited by Labcorp Genetics (formerly Invitae), Labcorp); PubMed 17701892 (cited by Labcorp Genetics (formerly Invitae), Labcorp).

NM_000138.5(FBN1):c.2248T>C (p.Cys750Arg)

Gene: FBN1 (fibrillin 1; minus strand). Cytogenetic location: 15q21.1.
Variant type: single nucleotide variant.
Coding change: c.2248T>C on transcript NM_000138.5 (MANE Select); coding-DNA position 2248, T replaced by C.
Protein change: p.Cys750Arg; replaces cysteine 750 with arginine.
Molecular consequence: missense variant.
Genome position (GRCh38, 1-based): chr15:48,497,311, A>G on the plus strand (T>C on the coding strand, the complement: FBN1 is on the minus strand). VCF-style: chr15-48497311-A-G. GRCh37 (hg19) VCF-style: chr15-48789508-A-G.
Other names: short protein forms C750R.
Identifiers: ClinVar variation 492826 (VCV000492826.14), dbSNP rs1555399368, ClinGen allele CA392335678.